The following is an entry in ClinVar:

NM_000214.3(JAG1):c.297_298delinsCT (p.Pro100Ser)

Gene: JAG1 (jagged canonical Notch ligand 1; minus strand). Cytogenetic location: 20p12.2.
Variant type: Indel.
Coding change: c.297_298delinsCT on transcript NM_000214.3 (MANE Select); coding-DNA positions 297 to 298, GC replaced by CT.
Protein change: p.Pro100Ser; replaces proline 100 with serine.
Molecular consequence: missense variant.
Genome position (GRCh38, 1-based): chr20:10,672,790-10,672,791, GC replaced by AG on the plus strand (GC replaced by CT on the coding strand, the reverse complement: JAG1 is on the minus strand). VCF-style: chr20-10672790-GC-AG. GRCh37 (hg19) VCF-style: chr20-10653438-GC-AG.
Other names: short protein forms P100S.
Identifiers: ClinVar variation 1362075 (VCV001362075.6), dbSNP rs2122644496, ClinGen allele CA2573156844.

ClinVar aggregate classification (germline): Uncertain significance (1 of 4 stars; one submission).

Conditions:
Alagille syndrome due to a JAG1 point mutation. Also called: Alagille Syndrome 1; HEPATIC DUCTULAR HYPOPLASIA, SYNDROMATIC; JAG1-Related Alagille Syndrome. Identifiers: Orphanet 261619, Orphanet 52, MedGen C1956125, MONDO:0016862, OMIM 118450.

Submission:

Labcorp Genetics (formerly Invitae), Labcorp
Classification: Uncertain significance for Alagille syndrome due to a JAG1 point mutation. Last evaluated: 2021-06-18. Review status: criteria provided, single submitter. Criteria: Invitae Variant Classification Sherloc (09022015). Collection method: clinical testing. Allele origin: germline.
Comment: This sequence change replaces proline with serine at codon 100 of the JAG1 protein (p.Pro100Ser). The proline residue is moderately conserved and there is a moderate physicochemical difference between proline and serine. The frequency data for this variant in the population databases is not available, as this variant may be reported as separate entries in the ExAC database. This variant has not been reported in the literature in individuals with JAG1-related conditions. Experimental studies and prediction algorithms are not available or were not evaluated, and the functional significance of this variant is currently unknown. In summary, the available evidence is currently insufficient to determine the role of this variant in disease. Therefore, it has been classified as a Variant of Uncertain Significance.